The following is an entry in ClinVar:

NM_174936.4(PCSK9):c.118G>A (p.Glu40Lys)

Gene: PCSK9 (proprotein convertase subtilisin/kexin type 9; plus strand). Cytogenetic location: 1p32.3.
Variant type: single nucleotide variant.
Coding change: c.118G>A on transcript NM_174936.4 (MANE Select); coding-DNA position 118, G replaced by A.
Protein change: p.Glu40Lys; replaces glutamic acid 40 with lysine.
Molecular consequence: missense variant.
Genome position (GRCh38, 1-based): chr1:55,039,955, G>A. VCF-style: chr1-55039955-G-A. GRCh37 (hg19) VCF-style: chr1-55505628-G-A.
Other names: short protein forms E40K.
Identifiers: ClinVar variation 852560 (VCV000852560.12), dbSNP rs1416330878, ClinGen allele CA340482812.

ClinVar aggregate classification (germline): Conflicting classifications of pathogenicity. Review status: criteria provided, conflicting classifications (1 of 4 stars). 5 submissions from 5 submitters: Uncertain significance (4); Likely benign (1). Last evaluated 2026-08-24.

Conditions:
Cardiovascular phenotype. Identifiers: MedGen CN230736.
Familial hypercholesterolemia. Also called: Familial hypercholesterolemias; Familial hypercholesterolaemia. Identifiers: MedGen C0020445, MONDO:0005439.
Hypercholesterolemia, autosomal dominant, 3 (FHCL3). Also called: Familial Hypercholesterolemia, Autosomal Dominant, 3; Familial hypercholesterolemia 3; PCSK9-Related Familial Hypercholesterolemia, Autosomal Dominant. Identifiers: MedGen C1863551, MONDO:0011369, OMIM 603776.

Allele frequency attached by ClinVar (database versions not stated): TOPMed below 0.00001; gnomAD 0.00001; gnomAD exomes 0.00001.
gnomAD v4.1: 11 of 1,576,990 alleles (0.0007%); highest among the groups gnomAD compares: Non-Finnish European, 0.00095%; no homozygotes.

Submissions (5):

Cambridge Genomics Laboratory, East Genomic Laboratory Hub, NHS Genomic Medicine Service
Classification: Uncertain significance for Familial hypercholesterolaemia. Last evaluated: 2026-08-24. Review status: criteria provided, single submitter. Criteria: ACGS Best Practice Guidelines for Variant Classification in Rare Disease 2020. Collection method: clinical testing. Allele origin: germline. Affected: yes.
Comment: PM2_Supporting

Quest Diagnostics Nichols Institute San Juan Capistrano
Classification: Uncertain significance. Last evaluated: 2025-10-29. Review status: criteria provided, single submitter. Criteria: Quest Diagnostics criteria. Collection method: clinical testing. Allele origin: unknown.
Comment: The PCSK9 c.118G>A (p.Glu40Lys) variant has not been reported in individuals with PCSK9-related conditions in the published literature. The frequency of this variant in the general population (Genome Aggregation Database) is uninformative in the assessment of its pathogenicity. Analysis of this variant using bioinformatics tools for the prediction of the effect of amino acid changes on protein structure and function yielded predictions that this variant is benign. Based on the available information, we are unable to determine the clinical significance of this variant.

Labcorp Genetics (formerly Invitae), Labcorp
Classification: Uncertain significance for Hypercholesterolemia, autosomal dominant, 3. Last evaluated: 2025-10-05. Review status: criteria provided, single submitter. Criteria: Invitae Variant Classification Sherloc (09022015). Collection method: clinical testing. Allele origin: germline.
Comment: This sequence change replaces glutamic acid, which is acidic and polar, with lysine, which is basic and polar, at codon 40 of the PCSK9 protein (p.Glu40Lys). This variant is not present in population databases (gnomAD no frequency). This missense change has been observed in individuals with clinical features of hypercholesterolemia (internal data). ClinVar contains an entry for this variant (Variation ID: 852560). Invitae Evidence Modeling of protein sequence and biophysical properties (such as structural, functional, and spatial information, amino acid conservation, physicochemical variation, residue mobility, and thermodynamic stability) indicates that this missense variant is not expected to disrupt PCSK9 protein function with a negative predictive value of 95%. In summary, the available evidence is currently insufficient to determine the role of this variant in disease. Therefore, it has been classified as a Variant of Uncertain Significance.

Color Diagnostics, LLC DBA Color Health
Classification: Uncertain significance for Familial hypercholesterolemia. Last evaluated: 2025-08-27. Review status: criteria provided, single submitter. Criteria: ACMG Guidelines, 2015. Collection method: clinical testing. Allele origin: germline.
Comment: This missense variant replaces glutamic acid with lysine at codon 40 of the PCSK9 protein. Computational prediction suggests that this variant may not impact protein structure and function. To our knowledge, functional studies have not been reported for this variant. This variant has not been reported in individuals affected with PCSK9-related disorders in the literature. This variant has not been identified in the general population by the Genome Aggregation Database (gnomAD). The available evidence is insufficient to determine the role of this variant in disease conclusively. Therefore, this variant is classified as a Variant of Uncertain Significance.

Ambry Genetics
Classification: Likely benign for Cardiovascular phenotype. Last evaluated: 2023-11-13. Review status: criteria provided, single submitter. Criteria: Ambry Variant Classification Scheme 2023. Collection method: clinical testing. Allele origin: germline.